The following is an entry in ClinVar:

NM_001035.3(RYR2):c.6046T>A (p.Ser2016Thr)

Gene: RYR2 (ryanodine receptor 2; plus strand). Cytogenetic location: 1q43.
Variant type: single nucleotide variant.
Coding change: c.6046T>A on transcript NM_001035.3 (MANE Select); coding-DNA position 6046, T replaced by A.
Protein change: p.Ser2016Thr; replaces serine 2016 with threonine.
Molecular consequence: missense variant.
Genome position (GRCh38, 1-based): chr1:237,625,684, T>A. VCF-style: chr1-237625684-T-A. GRCh37 (hg19) VCF-style: chr1-237788984-T-A.
Other names: c.6046T>A, p.Ser2016Thr (LRG_402t1); short protein forms S2016T.
Identifiers: ClinVar variation 509431 (VCV000509431.21), dbSNP rs575248331, ClinGen allele CA087039.

ClinVar aggregate classification (germline): Likely benign. Review status: criteria provided, multiple submitters, no conflicts (2 of 4 stars). 5 submissions from 5 submitters: Likely benign (5). Last evaluated 2026-03-09.

Conditions:
Cardiovascular phenotype. Identifiers: MedGen CN230736.
Cardiomyopathy (CMYO). Also called: Cardiomyopathies. Identifiers: Orphanet 167848, MedGen C0878544, MONDO:0004994, HP:0001638. Inheritance: Various modes of inheritance.
Catecholaminergic polymorphic ventricular tachycardia 1. Also called: VENTRICULAR TACHYCARDIA, CATECHOLAMINERGIC POLYMORPHIC, 1, WITH OR WITHOUT ATRIAL DYSFUNCTION AND/OR DILATED CARDIOMYOPATHY; RYR2-Related Catecholaminergic Polymorphic Ventricular Tachycardia; VENTRICULAR TACHYCARDIA, STRESS-INDUCED POLYMORPHIC 1. Identifiers: Orphanet 3286, MedGen C1631597, MONDO:0011484, OMIM 604772.

Allele frequency attached by ClinVar (database versions not stated): gnomAD 0.00004 and 0.00005; gnomAD exomes 0.00005 and 0.00014; TOPMed 0.00007; ExAC 0.00012; 1000 Genomes Project 30x 0.00016; 1000 Genomes Project 0.00020.
gnomAD v4.1: 39 of 1,613,708 alleles (0.0024%); highest among the groups gnomAD compares: Admixed American, 0.057%; no homozygotes.

Submissions (5):

Women's Health and Genetics/Laboratory Corporation of America, LabCorp
Classification: Likely benign. Last evaluated: 2026-03-09. Review status: criteria provided, single submitter. Criteria: LabCorp Variant Classification Summary - May 2015. Collection method: clinical testing. Allele origin: germline.
Comment: Variant summary: RYR2 c.6046T>A (p.Ser2016Thr) results in a conservative amino acid change in the encoded protein sequence. Algorithms developed to predict the effect of missense changes on protein structure and function all suggest that this variant is likely to be tolerated. The variant allele was found at a frequency of 0.00014 in 249038 control chromosomes in the gnomAD database, including 1 homozygotes. The observed variant frequency exceeds the estimated maximal expected allele frequency for disease-causing variants in RYR2. To our knowledge, no occurrence of c.6046T>A in individuals affected with RYR2-related conditions and no experimental evidence demonstrating its impact on protein function have been reported. ClinVar contains an entry for this variant (Variation ID: 509431). Based on the evidence outlined above, the variant was classified as likely benign.

Labcorp Genetics (formerly Invitae), Labcorp
Classification: Likely benign for Catecholaminergic polymorphic ventricular tachycardia 1. Last evaluated: 2026-01-24. Review status: criteria provided, single submitter. Criteria: Invitae Variant Classification Sherloc (09022015). Collection method: clinical testing. Allele origin: germline.

GeneDx
Classification: Likely benign. Last evaluated: 2024-05-07. Review status: criteria provided, single submitter. Criteria: GeneDx Variant Classification Process June 2021. Collection method: clinical testing. Allele origin: germline. Affected: yes.
Comment: See Variant Classification Assertion Criteria.

Color Diagnostics, LLC DBA Color Health
Classification: Likely benign for Cardiomyopathy. Last evaluated: 2019-02-04. Review status: criteria provided, single submitter. Criteria: ACMG Guidelines, 2015. Collection method: clinical testing. Allele origin: germline.

Ambry Genetics
Classification: Likely benign for Cardiovascular phenotype. Last evaluated: 2018-12-31. Review status: criteria provided, single submitter. Criteria: Ambry Variant Classification Scheme 2023. Collection method: clinical testing. Allele origin: germline.

Literature cited by the submitters: PubMed 28404607 (cited by Ambry Genetics).